The following is an entry in ClinVar:

NM_005026.5(PIK3CD):c.100T>C (p.Phe34Leu)

Gene: PIK3CD (phosphatidylinositol-4,5-bisphosphate 3-kinase catalytic subunit delta; plus strand). Cytogenetic location: 1p36.22.
Variant type: single nucleotide variant.
Coding change: c.100T>C on transcript NM_005026.5 (MANE Select); coding-DNA position 100, T replaced by C.
Protein change: p.Phe34Leu; replaces phenylalanine 34 with leucine.
Molecular consequence: missense variant.
Genome position (GRCh38, 1-based): chr1:9,710,555, T>C. VCF-style: chr1-9710555-T-C. GRCh37 (hg19) VCF-style: chr1-9770613-T-C.
Other names: c.100T>C, p.Phe34Leu (NM_001350234.2, NM_001350235.1); short protein forms F34L.
Identifiers: ClinVar variation 3687990 (VCV003687990.2).
Genomic context (GRCh38, chr1:9,710,555, plus strand): 5'-AAGGAGGAGAATCAGAGCGTTGTGGTTGACTTCCTGCTGCCCACAGGGGTCTACCTGAAC[T>C]TCCCTGTGTCCCGCAATGCCAACCTCAGCACCATCAAGCAGGTATGGCCTCCATCCGGTC-3'
Protein context (NP_005017.3, residues 24-44): FLLPTGVYLN[Phe34Leu]PVSRNANLST

ClinVar aggregate classification (germline): Uncertain significance (1 of 4 stars; one submission).

Conditions:
Immunodeficiency 14 (IMD14A). Also called: IMMUNODEFICIENCY 14A WITH LYMPHOPROLIFERATION, AUTOSOMAL DOMINANT; p110-DELTA-ACTIVATING MUTATION CAUSING SENESCENT T CELLS, LYMPHADENOPATHY, AND IMMUNODEFICIENCY; ACTIVATED PI3K-DELTA SYNDROME 1; Activated PI3K Delta Syndrome Type 1 (APDS1). Identifiers: Orphanet 397596, Orphanet 693661, MedGen C5907821, MONDO:0014222, OMIM 615513.

Submission:

Labcorp Genetics (formerly Invitae), Labcorp
Classification: Uncertain significance for Activated PI3K-delta syndrome. Last evaluated: 2024-07-05. Review status: criteria provided, single submitter. Criteria: Invitae Variant Classification Sherloc (09022015). Collection method: clinical testing. Allele origin: germline.
Comment: This sequence change replaces phenylalanine, which is neutral and non-polar, with leucine, which is neutral and non-polar, at codon 34 of the PIK3CD protein (p.Phe34Leu). This variant is not present in population databases (gnomAD no frequency). This variant has not been reported in the literature in individuals affected with PIK3CD-related conditions. Advanced modeling of protein sequence and biophysical properties (such as structural, functional, and spatial information, amino acid conservation, physicochemical variation, residue mobility, and thermodynamic stability) performed at Invitae indicates that this missense variant is not expected to disrupt PIK3CD protein function with a negative predictive value of 80%. In summary, the available evidence is currently insufficient to determine the role of this variant in disease. Therefore, it has been classified as a Variant of Uncertain Significance.